The following is an entry in ClinVar:

ClinVar aggregate classification (germline): Uncertain significance (1 of 4 stars; one submission).

Conditions:
Primary ciliary dyskinesia. Also called: Ciliary dyskinesia. Identifiers: Orphanet 244, MedGen C0008780, MONDO:0016575, HP:0012265.

Submission:

Labcorp Genetics (formerly Invitae), Labcorp
Classification: Uncertain significance for Primary ciliary dyskinesia. Last evaluated: 2024-09-08. Review status: criteria provided, single submitter. Criteria: Invitae Variant Classification Sherloc (09022015). Collection method: clinical testing. Allele origin: germline.
Comment: This sequence change replaces arginine, which is basic and polar, with serine, which is neutral and polar, at codon 46 of the DNAAF3 protein (p.Arg46Ser). This variant is present in population databases (no rsID available, gnomAD 0.007%). This variant has not been reported in the literature in individuals affected with DNAAF3-related conditions. An algorithm developed to predict the effect of missense changes on protein structure and function (PolyPhen-2) suggests that this variant is likely to be tolerated. In summary, the available evidence is currently insufficient to determine the role of this variant in disease. Therefore, it has been classified as a Variant of Uncertain Significance.

NM_001256715.2(DNAAF3):c.-4G>C

Genes: DNAAF3-AS1 (DNAAF3 antisense RNA 1; plus strand), DNAAF3 (dynein axonemal assembly factor 3; minus strand). Cytogenetic location: 19q13.42.
Variant type: single nucleotide variant.
Coding change: c.-4G>C on transcript NM_001256715.2 (MANE Select); 4 bases upstream of the start codon, G replaced by C.
Molecular consequence: 5 prime UTR variant. On other transcripts: missense variant (2).
Genome position (GRCh38, 1-based): chr19:55,166,417, C>G on the plus strand (G>C on the coding strand, the complement: DNAAF3 is on the minus strand). VCF-style: chr19-55166417-C-G. GRCh37 (hg19) VCF-style: chr19-55677785-C-G.
Other names: c.138G>C, p.Arg46Ser (NM_001256714.1, NM_178837.4); c.-242G>C (NM_001256716.2); short protein forms R46S.
Identifiers: ClinVar variation 3664105 (VCV003664105.2).
Genomic context (GRCh38, chr19:55,166,417, plus strand): 5'-CAGGCCCCACCAGGACACGGAGCCGAAGCCGCTGCCGGAGCCGGCAGGTGTGGTCATCAC[C>G]CTGCGGAAAAGACATTCTGGGAATCGCACACATTGCCCGCCCCGCTCCCCTCTCACCGCC-3'